The following is an entry in ClinVar:

ClinVar aggregate classification (germline): Uncertain significance. Review status: criteria provided, multiple submitters, no conflicts (2 of 4 stars). 2 submissions from 2 submitters: Uncertain significance (2). Last evaluated 2025-06-12.

Conditions:
Hypogonadotropic hypogonadism 1 with or without anosmia (HH1). Also called: Kallmann syndrome, type 1, X-linked; DYSPLASIA OLFACTOGENITALIS OF DE MORSIER; HYPOGONADOTROPIC HYPOGONADISM AND ANOSMIA; HYPOGONADOTROPIC HYPOGONADISM 1 WITH ANOSMIA; KAL1-Related GnRH Deficiency (Kallmann Syndrome 1; Kallmann Syndrome, X-Linked); Hypogonadotropic hypogonadism 1 with or without anosmia (Kallmann syndrome 1). Identifiers: Orphanet 478, MedGen C1563719, MONDO:0010635, OMIM 308700. Disease mechanism: loss of function.

Submissions (2):

Labcorp Genetics (formerly Invitae), Labcorp
Classification: Uncertain significance for Hypogonadotropic hypogonadism 1 with or without anosmia. Last evaluated: 2025-06-12. Review status: criteria provided, single submitter. Criteria: Invitae Variant Classification Sherloc (09022015). Collection method: clinical testing. Allele origin: germline.
Comment: This sequence change replaces glycine, which is neutral and non-polar, with arginine, which is basic and polar, at codon 641 of the ANOS1 protein (p.Gly641Arg). This variant is not present in population databases (gnomAD no frequency). This variant has not been reported in the literature in individuals affected with ANOS1-related conditions. ClinVar contains an entry for this variant (Variation ID: 3598458). Invitae Evidence Modeling of protein sequence and biophysical properties (such as structural, functional, and spatial information, amino acid conservation, physicochemical variation, residue mobility, and thermodynamic stability) indicates that this missense variant is expected to disrupt ANOS1 protein function with a positive predictive value of 80%. In summary, the available evidence is currently insufficient to determine the role of this variant in disease. Therefore, it has been classified as a Variant of Uncertain Significance.

Fulgent Genetics
Classification: Uncertain significance for Hypogonadotropic hypogonadism 1 with or without anosmia. Last evaluated: 2024-05-16. Review status: criteria provided, single submitter. Criteria: ACMG Guidelines, 2015. Collection method: clinical testing. Allele origin: germline.

NM_000216.4(ANOS1):c.1921G>C (p.Gly641Arg)

Gene: ANOS1 (anosmin 1; minus strand). Cytogenetic location: Xp22.31.
Variant type: single nucleotide variant.
Coding change: c.1921G>C on transcript NM_000216.4 (MANE Select); coding-DNA position 1921, G replaced by C.
Protein change: p.Gly641Arg; replaces glycine 641 with arginine.
Molecular consequence: missense variant.
Genome position (GRCh38, 1-based): chrX:8,534,382, C>G on the plus strand (G>C on the coding strand, the complement: ANOS1 is on the minus strand). VCF-style: chrX-8534382-C-G. GRCh37 (hg19) VCF-style: chrX-8502423-C-G.
Other names: short protein forms G641R.
Identifiers: ClinVar variation 3598458 (VCV003598458.3).
Genomic context (GRCh38, chrX:8,534,382, plus strand): 5'-GTGCTGAAGAGGGTGGGAGCTCCGGCGTCCGGAACGTCTTGATGGTGGCCGGCCCCTCCC[C>G]TCCTGGGGTCAGCACTTGCACTTCCAGTCGGTAAAGAGTAGATGGTCTCAGATTGGGCAC-3'
Protein context (NP_000207.2, residues 631-651): RLEVQVLTPG[Gly641Arg]EGPATIKTFR